The following is an entry in ClinVar:

ClinVar aggregate classification (germline): Likely pathogenic (1 of 4 stars; one submission).

Allele frequency attached by ClinVar (database versions not stated): gnomAD exomes below 0.00001.

Submission:

GeneDx
Classification: Likely pathogenic. Last evaluated: 2017-07-18. Review status: criteria provided, single submitter. Criteria: GeneDx Variant Classification (06012015). Collection method: clinical testing. Allele origin: germline. Affected: yes.
Comment: The Q273X variant in the MC4R gene has not been reported previously as a pathogenic variant nor as a benign variant, to our knowledge. This variant is predicted to cause loss of normal protein function through protein truncation with the loss of the last 60 amino acid residue. The Q273X variant is not observed in large population cohorts (Lek et al., 2016; 1000 Genomes Consortium et al., 2015; Exome Variant Server). We interpret Q273X as a likely pathogenic variant.

NM_005912.3(MC4R):c.817C>T (p.Gln273Ter)

Gene: MC4R (melanocortin 4 receptor; minus strand). Cytogenetic location: 18q21.32.
Variant type: single nucleotide variant.
Coding change: c.817C>T on transcript NM_005912.3 (MANE Select); coding-DNA position 817, C replaced by T.
Protein change: p.Gln273Ter; replaces glutamine 273 with a stop codon.
Molecular consequence: nonsense.
Genome position (GRCh38, 1-based): chr18:60,371,533, G>A on the plus strand (C>T on the coding strand, the complement: MC4R is on the minus strand). VCF-style: chr18-60371533-G-A. GRCh37 (hg19) VCF-style: chr18-58038766-G-A.
Other names: short protein forms Q273*.
Identifiers: ClinVar variation 450466 (VCV000450466.2), dbSNP rs1555691353, ClinGen allele CA402719018.